The following is an entry in ClinVar:

NM_001353108.3(CEP63):c.577C>T (p.Gln193Ter)

Gene: CEP63 (centrosomal protein 63; plus strand). Cytogenetic location: 3q22.2.
Variant type: single nucleotide variant.
Coding change: c.577C>T on transcript NM_001353108.3 (MANE Select); coding-DNA position 577, C replaced by T.
Protein change: p.Gln193Ter; replaces glutamine 193 with a stop codon.
Molecular consequence: nonsense. On other transcripts: non-coding transcript variant (4).
Genome position (GRCh38, 1-based): chr3:134,545,607, C>T. VCF-style: chr3-134545607-C-T. GRCh37 (hg19) VCF-style: chr3-134264449-C-T.
Other names: c.577C>T, p.Gln193Ter (NM_025180.5, NM_001042383.2, NM_001042384.2 and 13 more transcripts); c.604C>T, p.Gln202Ter (NM_001353118.1); c.493C>T, p.Gln165Ter (NM_001353125.2); c.214C>T, p.Gln72Ter (NM_001353126.2); short protein forms Q165*, Q193*, Q202*, Q72*.
Identifiers: ClinVar variation 1441092 (VCV001441092.6), dbSNP rs141121335, ClinGen allele CA2628434.
Genomic context (GRCh38, chr3:134,545,607, plus strand): 5'-TTTCCCTTTTACCTATTGATTGATAGTCTGTGTTTCTAGGCTCAGCTTGTCAATCGGAAA[C>T]AGAAATTAGAGTCTGTGGAACTTTCTAGCCAATCAGAAATTCAACACTTAAGCAGTAAAC-3'

ClinVar aggregate classification (germline): Pathogenic (1 of 4 stars; one submission).

Allele frequency attached by ClinVar (database versions not stated): gnomAD exomes below 0.00001; TOPMed below 0.00001; ExAC 0.00001; gnomAD 0.00001; ESP Exome Variant Server 0.00008.

Submission:

Labcorp Genetics (formerly Invitae), Labcorp
Classification: Pathogenic. Last evaluated: 2022-07-12. Review status: criteria provided, single submitter. Criteria: Invitae Variant Classification Sherloc (09022015). Collection method: clinical testing. Allele origin: germline.
Comment: For these reasons, this variant has been classified as Pathogenic. ClinVar contains an entry for this variant (Variation ID: 1441092). This variant has not been reported in the literature in individuals affected with CEP63-related conditions. This variant is present in population databases (rs141121335, gnomAD 0.007%). This sequence change creates a premature translational stop signal (p.Gln193*) in the CEP63 gene. It is expected to result in an absent or disrupted protein product. Loss-of-function variants in CEP63 are known to be pathogenic (PMID: 21983783, 23936128, 26158450).

Literature cited by the submitters: PubMed 21983783; PubMed 23936128; PubMed 26158450.